The following is an entry in ClinVar:

NM_006096.4(NDRG1):c.595-2A>T

Gene: NDRG1 (N-myc downstream regulated 1; minus strand). Cytogenetic location: 8q24.22.
Variant type: single nucleotide variant.
Coding change: c.595-2A>T on transcript NM_006096.4 (MANE Select); the canonical splice acceptor site of the intron before coding-DNA position 595, A replaced by T.
Molecular consequence: splice acceptor variant.
Genome position (GRCh38, 1-based): chr8:133,250,545, T>A on the plus strand (A>T on the coding strand, the complement: NDRG1 is on the minus strand). VCF-style: chr8-133250545-T-A. GRCh37 (hg19) VCF-style: chr8-134262788-T-A.
Other names: c.397-2A>T (NM_001258432.2, NM_001374847.1); c.352-2A>T (NM_001258433.2); c.646-2A>T (NM_001374844.1); c.595-2A>T (NM_001135242.2, NM_001374845.1, NM_001374846.1).
Identifiers: ClinVar variation 839083 (VCV000839083.8), dbSNP rs758718584, ClinGen allele CA4886661.
Genomic context (GRCh38, chr8:133,250,545, plus strand): 5'-TCATTCACAATGTGCTGGCGGTAGGTGTGGACCACTTCCACGTTACTCTGCATTTCTTCC[T>A]GCATTTAGAGAGGTGAGAAGATGGTCCTCATCGCACTGTGGCCCTGAGCTGGTCACTACT-3'

ClinVar aggregate classification (germline): Likely pathogenic (1 of 4 stars; one submission).

Conditions:
Charcot-Marie-Tooth disease type 4. Also called: Charcot-Marie-Tooth disease, type IV; Charcot-Marie-Tooth, Type 4. Identifiers: Orphanet 64749, MedGen C4082197, MONDO:0018995.

Allele frequency attached by ClinVar (database versions not stated): gnomAD exomes below 0.00001; ExAC 0.00001.
gnomAD v4.1: 2 of 1,613,620 alleles (0.00012%); highest among the groups gnomAD compares: South Asian, 0.0022%; no homozygotes.

Submission:

Labcorp Genetics (formerly Invitae), Labcorp
Classification: Likely pathogenic for Charcot-Marie-Tooth disease type 4. Last evaluated: 2023-08-04. Review status: criteria provided, single submitter. Criteria: Invitae Variant Classification Sherloc (09022015). Collection method: clinical testing. Allele origin: germline.
Comment: This sequence change affects an acceptor splice site in intron 9 of the NDRG1 gene. It is expected to disrupt RNA splicing. Variants that disrupt the donor or acceptor splice site typically lead to a loss of protein function (PMID: 16199547), and loss-of-function variants in NDRG1 are known to be pathogenic (PMID: 12872253, 23996628). In summary, the currently available evidence indicates that the variant is pathogenic, but additional data are needed to prove that conclusively. Therefore, this variant has been classified as Likely Pathogenic. Algorithms developed to predict the effect of sequence changes on RNA splicing suggest that this variant may disrupt the consensus splice site. ClinVar contains an entry for this variant (Variation ID: 839083). Disruption of this splice site has been observed in individual(s) with Charcot-Marie-Tooth disease (PMID: 31372974). This variant is present in population databases (rs758718584, gnomAD 0.003%).

Literature cited by the submitters: PubMed 16199547; PubMed 12872253; PubMed 23996628; PubMed 31372974.